The following is an entry in ClinVar:

NM_012062.5(DNM1L):c.833A>G (p.Asn278Ser)

Gene: DNM1L (dynamin 1 like; plus strand). Cytogenetic location: 12p11.21.
Variant type: single nucleotide variant.
Coding change: c.833A>G on transcript NM_012062.5 (MANE Select); coding-DNA position 833, A replaced by G.
Protein change: p.Asn278Ser; replaces asparagine 278 with serine.
Molecular consequence: missense variant.
Genome position (GRCh38, 1-based): chr12:32,720,756, A>G. VCF-style: chr12-32720756-A-G. GRCh37 (hg19) VCF-style: chr12-32873690-A-G.
Other names: c.833A>G, p.Asn278Ser (NM_001278463.2, NM_005690.5, NM_012063.4); c.872A>G, p.Asn291Ser (NM_001278464.2, NM_001278465.2, NM_001330380.2); c.224A>G, p.Asn75Ser (NM_001278466.2); short protein forms N291S, N75S, N278S.
Identifiers: ClinVar variation 2196711 (VCV002196711.4), dbSNP rs191913233, ClinGen allele CA6507418.

ClinVar aggregate classification (germline): Uncertain significance (1 of 4 stars; one submission).

Allele frequency attached by ClinVar (database versions not stated): TOPMed 0.00001; ExAC 0.00002; gnomAD 0.00002; gnomAD exomes 0.00006; 1000 Genomes Project 30x 0.00016; 1000 Genomes Project 0.00020.
gnomAD v4.1: 100 of 1,613,800 alleles (0.0062%); highest among the groups gnomAD compares: Non-Finnish European, 0.0079%; no homozygotes.

Submission:

Labcorp Genetics (formerly Invitae), Labcorp
Classification: Uncertain significance. Last evaluated: 2025-09-17. Review status: criteria provided, single submitter. Criteria: Invitae Variant Classification Sherloc (09022015). Collection method: clinical testing. Allele origin: germline.
Comment: This sequence change replaces asparagine, which is neutral and polar, with serine, which is neutral and polar, at codon 278 of the DNM1L protein (p.Asn278Ser). This variant is present in population databases (rs191913233, gnomAD 0.003%). This variant has not been reported in the literature in individuals affected with DNM1L-related conditions. ClinVar contains an entry for this variant (Variation ID: 2196711). An algorithm developed to predict the effect of missense changes on protein structure and function (PolyPhen-2) suggests that this variant is likely to be tolerated. In summary, the available evidence is currently insufficient to determine the role of this variant in disease. Therefore, it has been classified as a Variant of Uncertain Significance.